The following is an entry in ClinVar:

ClinVar aggregate classification (germline): Uncertain significance (1 of 4 stars; one submission).

Submission:

Ambry Genetics
Classification: Uncertain significance. Last evaluated: 2024-11-16. Review status: criteria provided, single submitter. Criteria: Ambry Variant Classification Scheme 2023. Collection method: clinical testing. Allele origin: germline.
Comment: The p.D116E variant (also known as c.348T>G), located in coding exon 5 of the RAD54L gene, results from a T to G substitution at nucleotide position 348. The aspartic acid at codon 116 is replaced by glutamic acid, an amino acid with highly similar properties. This amino acid position is conserved. In addition, this alteration is predicted to be tolerated by in silico analysis. Based on the available evidence, the clinical significance of this variant remains unclear.

NM_003579.4(RAD54L):c.348T>G (p.Asp116Glu)

Gene: RAD54L (RAD54 like; plus strand). Cytogenetic location: 1p34.1.
Variant type: single nucleotide variant.
Coding change: c.348T>G on transcript NM_003579.4 (MANE Select); coding-DNA position 348, T replaced by G.
Protein change: p.Asp116Glu; replaces aspartic acid 116 with glutamic acid.
Molecular consequence: missense variant. On other transcripts: 5 prime UTR variant (1).
Genome position (GRCh38, 1-based): chr1:46,260,040, T>G. VCF-style: chr1-46260040-T-G. GRCh37 (hg19) VCF-style: chr1-46725712-T-G.
Other names: c.348T>G, p.Asp116Glu (NM_001142548.2); c.-193T>G (NM_001370766.1); short protein forms D116E.
Identifiers: ClinVar variation 3429833 (VCV003429833.1).
Genomic context (GRCh38, chr1:46,260,040, plus strand): 5'-AGCATTGGGCCTGAAAAGGGCTGGGGTCCGCCGGGCCCTCCATGACCCCCTGGAAAAAGA[T>G]GCCTTGGTTCTGTATGAGCCTCCCCCGCTGAGCGCTCATGACCAGCTGAAGCTTGACAAG-3'
Protein context (NP_003570.2, residues 106-126): RRALHDPLEK[Asp116Glu]ALVLYEPPPL